The following is an entry in ClinVar:

ClinVar aggregate classification (germline): Uncertain significance (1 of 4 stars; one submission).

Conditions:
MELAS syndrome (MELAS). Also called: Juvenile myopathy, encephalopathy, lactic acidosis, stroke. Identifiers: Orphanet 550, MedGen C0162671, MONDO:0010789, OMIM 540000.

Submission:

Wong Mito Lab, Molecular and Human Genetics, Baylor College of Medicine
Classification: Uncertain significance for MELAS syndrome. Last evaluated: 2019-07-12. Review status: criteria provided, single submitter. Criteria: Modified ACMG Guidelines (Unpublished). Collection method: clinical testing. Allele origin: germline.
Comment: The NC_012920.1:m.7520G>A variant in MT-TD gene is interpreted to be a Unknown Significance variant based on the modified ACMG guidelines (unpublished). This variant meets the following evidence codes reported in the guidelines: PP3

Literature cited by the submitters: PubMed 31965079; PubMed 18676632.

NC_012920.1(MT-TD):m.7520G>A

Gene: MT-TD (mitochondrially encoded tRNA aspartic acid; plus strand).
Variant type: single nucleotide variant.
Genome position: chrM-7520-G-A.
Identifiers: ClinVar variation 690036 (VCV000690036.1), dbSNP rs1603220993, ClinGen allele CA913177287.